The following is an entry in ClinVar:

ClinVar aggregate classification (germline): Likely pathogenic (1 of 4 stars; one submission).

Conditions:
Vissers-Bodmer syndrome. Identifiers: MedGen C5436647, MONDO:0033618, OMIM 619033.

Submission:

Genetics Laboratory, UDIAT-Centre Diagnòstic, Hospital Universitari Parc Tauli
Classification: Likely pathogenic for Vissers-Bodmer syndrome. Last evaluated: 2024-09-02. Review status: criteria provided, single submitter. Criteria: ACMG Guidelines, 2015. Collection method: clinical testing. Allele origin: unknown. Inheritance: Autosomal dominant inheritance. Affected: yes.
Comment: PVS1_very strong;PM2_supporting

NM_016284.5(CNOT1):c.2560C>T (p.Arg854Ter)

Gene: CNOT1 (CCR4-NOT transcription complex subunit 1; minus strand). Cytogenetic location: 16q21.
Variant type: single nucleotide variant.
Coding change: c.2560C>T on transcript NM_016284.5 (MANE Select); coding-DNA position 2560, C replaced by T.
Protein change: p.Arg854Ter; replaces arginine 854 with a stop codon.
Molecular consequence: nonsense. On other transcripts: non-coding transcript variant (1).
Genome position (GRCh38, 1-based): chr16:58,555,828, G>A on the plus strand (C>T on the coding strand, the complement: CNOT1 is on the minus strand). VCF-style: chr16-58555828-G-A. GRCh37 (hg19) VCF-style: chr16-58589732-G-A.
Other names: c.2545C>T, p.Arg849Ter (NM_001265612.2); c.2560C>T, p.Arg854Ter (NM_206999.3); short protein forms R849*, R854*.
Identifiers: ClinVar variation 3897574 (VCV003897574.1).